The following is an entry in ClinVar:

NM_172107.4(KCNQ2):c.387+10G>A

Gene: KCNQ2 (potassium voltage-gated channel subfamily Q member 2; minus strand). Cytogenetic location: 20q13.33.
Variant type: single nucleotide variant.
Coding change: c.387+10G>A on transcript NM_172107.4 (MANE Select); 10 bases into the intron after coding-DNA position 387, G replaced by A.
Molecular consequence: intron variant.
Genome position (GRCh38, 1-based): chr20:63,446,737, C>T on the plus strand (G>A on the coding strand, the complement: KCNQ2 is on the minus strand). VCF-style: chr20-63446737-C-T. GRCh37 (hg19) VCF-style: chr20-62078090-C-T.
Other names: c.387+10G>A (NM_004518.6, NM_172108.5, NM_172106.3 and 2 more transcripts).
Identifiers: ClinVar variation 682584 (VCV000682584.12), dbSNP rs371918220, ClinGen allele CA9958849.

ClinVar aggregate classification (germline): Likely benign. Review status: criteria provided, multiple submitters, no conflicts (2 of 4 stars). 3 submissions from 3 submitters: Likely benign (2). 1 of the submissions does not count toward it. Last evaluated 2025-06-14.

Conditions:
Early-infantile DEE. Also called: Early infantile epileptic encephalopathy; Early infantile epileptic encephalopathy with suppression bursts; Ohtahara syndrome. Identifiers: Orphanet 1934, MedGen C0393706, MONDO:0800491.
KCNQ2-Related Disorders. Also called: KCNQ2-related condition; KCNQ2-related disorder. Identifiers: MedGen CN169299.

Allele frequency attached by ClinVar (database versions not stated): gnomAD 0.00001; gnomAD exomes 0.00001 and 0.00002; TOPMed 0.00001; ExAC 0.00002; ESP Exome Variant Server 0.00008.
gnomAD v4.1: 25 of 1,610,194 alleles (0.0016%); highest among the groups gnomAD compares: African/African-American, 0.0027%; no homozygotes.

Submissions (3):

Labcorp Genetics (formerly Invitae), Labcorp
Classification: Likely benign for Early-infantile DEE. Last evaluated: 2025-06-14. Review status: criteria provided, single submitter. Criteria: Invitae Variant Classification Sherloc (09022015). Collection method: clinical testing. Allele origin: germline.

GeneDx
Classification: Likely benign. Last evaluated: 2018-05-04. Review status: criteria provided, single submitter. Criteria: GeneDx Variant Classification (06012015). Collection method: clinical testing. Allele origin: germline. Affected: yes.
Comment: This variant is considered likely benign or benign based on one or more of the following criteria: it is a conservative change, it occurs at a poorly conserved position in the protein, it is predicted to be benign by multiple in silico algorithms, and/or has population frequency not consistent with disease.

PreventionGenetics, part of Exact Sciences
Classification: Likely benign for KCNQ2-related condition. Last evaluated: 2023-05-02. Review status: no assertion criteria provided. Collection method: clinical testing. Allele origin: germline. Not counted in ClinVar's aggregate classification.
Comment: This variant is classified as likely benign based on ACMG/AMP sequence variant interpretation guidelines (Richards et al. 2015 PMID: 25741868, with internal and published modifications).